The following is an entry in ClinVar:

NM_001184.4(ATR):c.4792G>A (p.Ala1598Thr)

Gene: ATR (ATR checkpoint kinase; minus strand). Cytogenetic location: 3q23.
Variant type: single nucleotide variant.
Coding change: c.4792G>A on transcript NM_001184.4 (MANE Select); coding-DNA position 4792, G replaced by A.
Protein change: p.Ala1598Thr; replaces alanine 1598 with threonine.
Molecular consequence: missense variant.
Genome position (GRCh38, 1-based): chr3:142,512,320, C>T on the plus strand (G>A on the coding strand, the complement: ATR is on the minus strand). VCF-style: chr3-142512320-C-T. GRCh37 (hg19) VCF-style: chr3-142231162-C-T.
Other names: c.4600G>A, p.Ala1534Thr (NM_001354579.2); short protein forms A1534T, A1598T.
Identifiers: ClinVar variation 1043031 (VCV001043031.7), dbSNP rs187734529, ClinGen allele CA2649767.

ClinVar aggregate classification (germline): Uncertain significance. Review status: criteria provided, multiple submitters, no conflicts (2 of 4 stars). 5 submissions from 4 submitters: Uncertain significance (5). Last evaluated 2026-03-19.

Conditions:
Inborn genetic diseases. Identifiers: MedGen C0950123, MeSH D030342.
Familial cutaneous telangiectasia and oropharyngeal predisposition cancer syndrome. Identifiers: Orphanet 313846, MedGen C3281203, MONDO:0013806, OMIM 614564.
Seckel syndrome 1 (SCKL1). Also called: MICROCEPHALIC PRIMORDIAL DWARFISM I. Identifiers: Orphanet 808, MedGen C4551474, MONDO:0008869, OMIM 210600.

Allele frequency attached by ClinVar (database versions not stated): 1000 Genomes Project 30x 0.00078; 1000 Genomes Project 0.00080; TOPMed 0.00026.
gnomAD v4.1: 33 of 1,613,514 alleles (0.002%); highest among the groups gnomAD compares: Admixed American, 0.04%; 1 homozygote.

Submissions (5):

GeneDx
Classification: Uncertain significance. Last evaluated: 2026-03-19. Review status: criteria provided, single submitter. Criteria: GeneDx Variant Classification Process June 2021. Collection method: clinical testing. Allele origin: germline.
Comment: In silico analysis suggests that this missense variant does not alter protein structure/function; Has not been previously published as pathogenic or benign to our knowledge

Labcorp Genetics (formerly Invitae), Labcorp
Classification: Uncertain significance. Last evaluated: 2024-09-19. Review status: criteria provided, single submitter. Criteria: Invitae Variant Classification Sherloc (09022015). Collection method: clinical testing. Allele origin: germline.
Comment: This sequence change replaces alanine, which is neutral and non-polar, with threonine, which is neutral and polar, at codon 1598 of the ATR protein (p.Ala1598Thr). This variant is present in population databases (rs187734529, gnomAD 0.007%). This variant has not been reported in the literature in individuals affected with ATR-related conditions. ClinVar contains an entry for this variant (Variation ID: 1043031). An algorithm developed to predict the effect of missense changes on protein structure and function outputs the following: PolyPhen-2: "Benign". The threonine amino acid residue is found in multiple mammalian species, which suggests that this missense change does not adversely affect protein function. In summary, the available evidence is currently insufficient to determine the role of this variant in disease. Therefore, it has been classified as a Variant of Uncertain Significance.

Ambry Genetics
Classification: Uncertain significance for Inborn genetic diseases. Last evaluated: 2023-12-19. Review status: criteria provided, single submitter. Criteria: Ambry Variant Classification Scheme 2023. Collection method: clinical testing. Allele origin: germline.

Genome-Nilou Lab
Classification: Uncertain significance for Seckel syndrome 1. Last evaluated: 2023-02-08. Review status: criteria provided, single submitter. Criteria: ACMG Guidelines, 2015. Collection method: clinical testing. Allele origin: germline.

Genome-Nilou Lab
Classification: Uncertain significance for Familial cutaneous telangiectasia and oropharyngeal predisposition cancer syndrome. Last evaluated: 2023-02-08. Review status: criteria provided, single submitter. Criteria: ACMG Guidelines, 2015. Collection method: clinical testing. Allele origin: germline.